The following is an entry in ClinVar:

NM_152564.5(VPS13B):c.9276T>A (p.Tyr3092Ter)

Gene: VPS13B (vacuolar protein sorting 13 homolog B; plus strand). Cytogenetic location: 8q22.2.
Variant type: single nucleotide variant.
Coding change: c.9276T>A on transcript NM_152564.5 (MANE Select); coding-DNA position 9276, T replaced by A.
Protein change: p.Tyr3092Ter; replaces tyrosine 3092 with a stop codon.
Molecular consequence: nonsense.
Genome position (GRCh38, 1-based): chr8:99,823,924, T>A. VCF-style: chr8-99823924-T-A. GRCh37 (hg19) VCF-style: chr8-100836152-T-A.
Other names: c.9351T>A, p.Tyr3117Ter (NM_017890.5); short protein forms Y3092*, Y3117*.
Identifiers: ClinVar variation 5013210 (VCV005013210.1).

ClinVar aggregate classification (germline): Pathogenic (1 of 4 stars; one submission).

Conditions:
Cohen syndrome (COH1). Also called: PEPPER SYNDROME; Cutis verticis gyrata, retinitis pigmentosa, and sensorineural deafness. Identifiers: Orphanet 193, MedGen C0265223, MONDO:0008999, OMIM 216550.

Submission:

Myriad Genetics, Inc.
Classification: Pathogenic for Cohen syndrome. Last evaluated: 2024-06-20. Review status: criteria provided, single submitter. Criteria: Myriad Autosomal Dominant, Autosomal Recessive and X-Linked Classification Criteria (2023). Collection method: clinical testing. Allele origin: unknown.
Comment: NM_017890.4(VPS13B):c.9351T>A(Y3117*) is expected to be pathogenic in the context of Cohen syndrome. This variant is predicted to lead to an abnormal or absent protein product due to the creation of a premature termination codon in VPS13B, a gene where loss-of-function variants are known to be pathogenic. Please note: this variant was assessed in the context of healthy population screening.